The following is an entry in ClinVar:

ClinVar aggregate classification (germline): Uncertain significance. Review status: criteria provided, multiple submitters, no conflicts (2 of 4 stars). 2 submissions from 2 submitters: Uncertain significance (2). Last evaluated 2024-10-26.

Conditions:
Intellectual developmental disorder with seizures and language delay (IDDSELD). Identifiers: MedGen C5436574, MONDO:0033559, OMIM 619000.
Inborn genetic diseases. Identifiers: MedGen C0950123, MeSH D030342.

gnomAD v4.1: 67 of 1,551,382 alleles (0.0043%); highest among the groups gnomAD compares: East Asian, 0.0049%; no homozygotes.

Submissions (2):

Ambry Genetics
Classification: Uncertain significance for Inborn genetic diseases. Last evaluated: 2024-10-26. Review status: criteria provided, single submitter. Criteria: Ambry Variant Classification Scheme 2023. Collection method: clinical testing. Allele origin: germline.

Juno Genomics, Hangzhou Juno Genomics, Inc
Classification: Uncertain significance for Intellectual developmental disorder with seizures and language delay. Review status: criteria provided, single submitter. Criteria: ACMG Guidelines, 2015. Collection method: clinical testing. Allele origin: germline.
Comment: Absent from controls (or at extremely low frequency if recessive) in Genome Aggregation Database.;Missense variant in a gene that has a low rate of benign missense variation.

NM_001353345.2(SETD1B):c.5803G>A (p.Val1935Ile)

Gene: SETD1B (SET domain containing 1B, histone lysine methyltransferase; plus strand). Cytogenetic location: 12q24.31.
Variant type: single nucleotide variant.
Coding change: c.5803G>A on transcript NM_001353345.2 (MANE Select); coding-DNA position 5803, G replaced by A.
Protein change: p.Val1935Ile; replaces valine 1935 with isoleucine.
Molecular consequence: missense variant.
Genome position (GRCh38, 1-based): chr12:121,830,141, G>A. VCF-style: chr12-121830141-G-A. GRCh37 (hg19) VCF-style: chr12-122268047-G-A.
Other names: NM_015048.1:c.5674G>A; short protein forms V1935I.
Identifiers: ClinVar variation 3440177 (VCV003440177.3).